The following is an entry in ClinVar:

NM_025074.7(FRAS1):c.5574dup (p.Ala1859fs)

Gene: FRAS1 (Fraser extracellular matrix complex subunit 1; plus strand). Cytogenetic location: 4q21.21.
Variant type: Duplication.
Coding change: c.5574dup on transcript NM_025074.7 (MANE Select); coding-DNA position 5574, one base duplicated (T; older notation c.5574dupT).
Protein change: p.Ala1859fs; shifts the reading frame from alanine 1859.
Molecular consequence: frameshift variant.
Genome position (GRCh38, 1-based): chr4:78,441,206, T duplicated; the last of 7 consecutive T bases (chr4:78,441,200-78,441,206); duplicating any one gives the same sequence. VCF-style (leftmost placement, unchanged base first): chr4-78441199-A-AT. GRCh37 (hg19) VCF-style: chr4-79362353-A-AT.
Other names: c.5574dup, p.Ala1859fs (NM_001166133.2); short protein forms A1859fs.
Identifiers: ClinVar variation 916657 (VCV000916657.3), dbSNP rs753831692, ClinGen allele CA2977548.

ClinVar aggregate classification (germline): Pathogenic/Likely pathogenic. Review status: criteria provided, multiple submitters, no conflicts (2 of 4 stars). 3 submissions from 3 submitters: Pathogenic (1); Likely pathogenic (1). 1 of the submissions does not count toward it. Last evaluated 2023-08-15.

Conditions:
Cryptophthalmos syndrome. Also called: Fraser syndrome. Identifiers: Orphanet 2052, MedGen C0265233, MONDO:0009046.
Fraser syndrome 1 (FRASRS1). Also called: CRYPTOPHTHALMOS WITH OTHER MALFORMATIONS. Identifiers: Orphanet 2052, MedGen C4551480, MONDO:0054737, OMIM 219000.

Submissions (3):

Department of Pathology and Laboratory Medicine, Sinai Health System
Classification: Likely pathogenic for Fraser syndrome. Last evaluated: 2023-08-15. Review status: criteria provided, single submitter. Criteria: ACMG Guidelines, 2015. Collection method: research. Allele origin: germline.

Service de Biochimie Médicale et Biologie Moléculaire, CHU Clermont-Ferrand
Classification: Pathogenic for Fraser syndrome 1. Last evaluated: 2018-09-14. Review status: criteria provided, single submitter. Criteria: ACMG Guidelines, 2015. Collection method: clinical testing. Allele origin: inherited. Inheritance: Autosomal recessive inheritance. Affected: yes.
Comment: This variant in homozygous state or compound heterozygous state induced Fraser syndrome phenotype

OMIM
Classification: Pathogenic for FRASER SYNDROME 1. Last evaluated: 2003-06-01. Review status: no assertion criteria provided. Collection method: literature only. Allele origin: germline. Not counted in ClinVar's aggregate classification.

Literature cited by the submitters: PubMed 12766769 (cited by Service de Biochimie Médicale et Biologie Moléculaire, CHU Clermont-Ferrand and OMIM).